The following is an entry in ClinVar:

ClinVar aggregate classification (germline): Likely benign. Review status: criteria provided, single submitter (1 of 4 stars). 2 submissions from 2 submitters: Likely benign (1). 1 of the submissions does not count toward it. Last evaluated 2024-11-05.

Conditions:
CPAMD8-related disorder. Also called: CPAMD8-related condition.

Allele frequency attached by ClinVar (database versions not stated): ESP Exome Variant Server 0.00008; gnomAD exomes 0.00011; ExAC 0.00012; 1000 Genomes Project 30x 0.00016; 1000 Genomes Project 0.00020; gnomAD 0.00029; TOPMed 0.00035.
gnomAD v4.1: 209 of 1,477,418 alleles (0.014%); highest among the groups gnomAD compares: Admixed American, 0.06%; 2 homozygotes.

Submissions (2):

Blueprint Genetics
Classification: Likely benign. Last evaluated: 2024-11-05. Review status: criteria provided, single submitter. Criteria: ACMG Guidelines, 2015. Collection method: clinical testing. Allele origin: germline.

PreventionGenetics, part of Exact Sciences
Classification: Likely benign for CPAMD8-related condition. Last evaluated: 2019-06-17. Review status: no assertion criteria provided. Collection method: clinical testing. Allele origin: germline. Not counted in ClinVar's aggregate classification.
Comment: This variant is classified as likely benign based on ACMG/AMP sequence variant interpretation guidelines (Richards et al. 2015 PMID: 25741868, with internal and published modifications).

NM_015692.5(CPAMD8):c.849T>G (p.Pro283=)

Gene: CPAMD8 (C3 and PZP like alpha-2-macroglobulin domain containing 8; minus strand). Cytogenetic location: 19p13.11.
Variant type: single nucleotide variant.
Coding change: c.849T>G on transcript NM_015692.5 (MANE Select); coding-DNA position 849, T replaced by G.
Protein change: p.Pro283=; no amino-acid change (proline 283 retained).
Molecular consequence: synonymous variant. On other transcripts: non-coding transcript variant (1).
Genome position (GRCh38, 1-based): chr19:17,000,432, A>C on the plus strand (T>G on the coding strand, the complement: CPAMD8 is on the minus strand). VCF-style: chr19-17000432-A-C. GRCh37 (hg19) VCF-style: chr19-17111242-A-C.
Identifiers: ClinVar variation 3034400 (VCV003034400.3), dbSNP rs376041460, ClinGen allele CA9285928.